The following is an entry in ClinVar:

NM_006206.6(PDGFRA):c.2439+3A>G

Gene: PDGFRA (platelet derived growth factor receptor alpha; plus strand). Cytogenetic location: 4q12.
Variant type: single nucleotide variant.
Coding change: c.2439+3A>G on transcript NM_006206.6 (MANE Select); 3 bases into the intron after coding-DNA position 2439, A replaced by G.
Molecular consequence: intron variant.
Genome position (GRCh38, 1-based): chr4:54,285,489, A>G. VCF-style: chr4-54285489-A-G. GRCh37 (hg19) VCF-style: chr4-55151656-A-G.
Other names: c.2514+3A>G (NM_001347828.2); c.2439+3A>G (NM_001347829.2); c.2478+3A>G (NM_001347830.2).
Identifiers: ClinVar variation 2000376 (VCV002000376.4), dbSNP rs2110336204, ClinGen allele CA2580071102.

ClinVar aggregate classification (germline): Uncertain significance (1 of 4 stars; one submission).

Conditions:
Gastrointestinal stromal tumor. Also called: Gastrointestinal stroma tumor; Gastrointestinal stromal tumor, somatic. Identifiers: Orphanet 44890, MedGen C0238198, MeSH D046152, MONDO:0011719, OMIM 606764, HP:0100723.

Submission:

Labcorp Genetics (formerly Invitae), Labcorp
Classification: Uncertain significance for Gastrointestinal stromal tumor. Last evaluated: 2024-12-12. Review status: criteria provided, single submitter. Criteria: Invitae Variant Classification Sherloc (09022015). Collection method: clinical testing. Allele origin: germline.
Comment: This sequence change falls in intron 17 of the PDGFRA gene. It does not directly change the encoded amino acid sequence of the PDGFRA protein. It affects a nucleotide within the consensus splice site. This variant is not present in population databases (gnomAD no frequency). This variant has not been reported in the literature in individuals affected with PDGFRA-related conditions. ClinVar contains an entry for this variant (Variation ID: 2000376). Variants that disrupt the consensus splice site are a relatively common cause of aberrant splicing (PMID: 17576681, 9536098). Algorithms developed to predict the effect of sequence changes on RNA splicing suggest that this variant is not likely to affect RNA splicing. In summary, the available evidence is currently insufficient to determine the role of this variant in disease. Therefore, it has been classified as a Variant of Uncertain Significance.

Literature cited by the submitters: PubMed 17576681; PubMed 9536098.